The following is an entry in ClinVar:

NM_001042492.3(NF1):c.7946T>G (p.Val2649Gly)

Gene: NF1 (neurofibromin 1; plus strand). Cytogenetic location: 17q11.2.
Variant type: single nucleotide variant.
Coding change: c.7946T>G on transcript NM_001042492.3 (MANE Select); coding-DNA position 7946, T replaced by G.
Protein change: p.Val2649Gly; replaces valine 2649 with glycine.
Molecular consequence: missense variant.
Genome position (GRCh38, 1-based): chr17:31,357,345, T>G. VCF-style: chr17-31357345-T-G. GRCh37 (hg19) VCF-style: chr17-29684363-T-G.
Other names: c.7883T>G, p.Val2628Gly (NM_000267.4); short protein forms V2628G, V2649G.
Identifiers: ClinVar variation 2119130 (VCV002119130.4), dbSNP rs2151583397, ClinGen allele CA399203520.

ClinVar aggregate classification (germline): Uncertain significance (1 of 4 stars; one submission).

Conditions:
Neurofibromatosis, type 1 (NF1). Also called: NEUROFIBROMATOSIS, TYPE I, SOMATIC; Neurofibromatosis, type I; Peripheral type neurofibromatosis; VON RECKLINGHAUSEN DISEASE. Identifiers: Orphanet 636, MedGen C0027831, MONDO:0018975, OMIM 162200. Disease mechanism: loss of function.

Submission:

Labcorp Genetics (formerly Invitae), Labcorp
Classification: Uncertain significance for Neurofibromatosis, type 1. Last evaluated: 2023-05-09. Review status: criteria provided, single submitter. Criteria: Invitae Variant Classification Sherloc (09022015). Collection method: clinical testing. Allele origin: germline.
Comment: This sequence change replaces valine, which is neutral and non-polar, with glycine, which is neutral and non-polar, at codon 2628 of the NF1 protein (p.Val2628Gly). This variant is not present in population databases (gnomAD no frequency). This variant has not been reported in the literature in individuals affected with NF1-related conditions. ClinVar contains an entry for this variant (Variation ID: 2119130). Advanced modeling of protein sequence and biophysical properties (such as structural, functional, and spatial information, amino acid conservation, physicochemical variation, residue mobility, and thermodynamic stability) performed at Invitae indicates that this missense variant is expected to disrupt NF1 protein function. In summary, the available evidence is currently insufficient to determine the role of this variant in disease. Therefore, it has been classified as a Variant of Uncertain Significance.